The following is an entry in ClinVar:

NM_005431.2(XRCC2):c.462T>G (p.Phe154Leu)

Gene: XRCC2 (X-ray repair cross complementing 2; minus strand). Cytogenetic location: 7q36.1.
Variant type: single nucleotide variant.
Coding change: c.462T>G on transcript NM_005431.2 (MANE Select); coding-DNA position 462, T replaced by G.
Protein change: p.Phe154Leu; replaces phenylalanine 154 with leucine.
Molecular consequence: missense variant.
Genome position (GRCh38, 1-based): chr7:152,649,023, A>C on the plus strand (T>G on the coding strand, the complement: XRCC2 is on the minus strand). VCF-style: chr7-152649023-A-C. GRCh37 (hg19) VCF-style: chr7-152346108-A-C.
Other names: short protein forms F154L.
Identifiers: ClinVar variation 3224678 (VCV003224678.1), dbSNP rs139923743, ClinGen allele CA370198644.

ClinVar aggregate classification (germline): Uncertain significance (1 of 4 stars; one submission).

Conditions:
Hereditary cancer-predisposing syndrome. Also called: Tumor predisposition; Hereditary neoplastic syndrome; Hereditary Cancer Syndrome; Neoplastic Syndromes, Hereditary. Identifiers: Orphanet 140162, MedGen C0027672, MeSH D009386, MONDO:0015356.

gnomAD v4.1: 1 of 1,614,230 alleles (0.000062%); highest among the groups gnomAD compares: African/African-American, 0.0013%; no homozygotes.

Submission:

Ambry Genetics
Classification: Uncertain significance for Hereditary cancer-predisposing syndrome. Last evaluated: 2024-01-19. Review status: criteria provided, single submitter. Criteria: Ambry Variant Classification Scheme 2023. Collection method: clinical testing. Allele origin: germline.
Comment: The p.F154L variant (also known as c.462T>G), located in coding exon 3 of the XRCC2 gene, results from a T to G substitution at nucleotide position 462. The phenylalanine at codon 154 is replaced by leucine, an amino acid with highly similar properties. This amino acid position is conserved. In addition, the in silico prediction for this alteration is inconclusive. Based on the available evidence, the clinical significance of this alteration remains unclear.